The following is an entry in ClinVar:

NM_133433.4(NIPBL):c.3512A>T (p.Lys1171Ile)

Gene: NIPBL (NIPBL cohesin loading factor; plus strand). Cytogenetic location: 5p13.2.
Variant type: single nucleotide variant.
Coding change: c.3512A>T on transcript NM_133433.4 (MANE Select); coding-DNA position 3512, A replaced by T.
Protein change: p.Lys1171Ile; replaces lysine 1171 with isoleucine.
Molecular consequence: missense variant.
Genome position (GRCh38, 1-based): chr5:37,000,826, A>T. VCF-style: chr5-37000826-A-T. GRCh37 (hg19) VCF-style: chr5-37000928-A-T.
Other names: c.3512A>T, p.Lys1171Ile (NM_015384.5); short protein forms K1171I.
Identifiers: ClinVar variation 3405725 (VCV003405725.5).

ClinVar aggregate classification (germline): Uncertain significance. Review status: criteria provided, multiple submitters, no conflicts (2 of 4 stars). 4 submissions from 4 submitters: Uncertain significance (4). Last evaluated 2026-02-26.

Conditions:
Cornelia de Lange syndrome 1 (CDLS1). Also called: Brachmann de Lange syndrome; NIPBL-Related Cornelia de Lange Syndrome; TYPUS DEGENERATIVUS AMSTELODAMENSIS. Identifiers: Orphanet 199, MedGen C4551851, MONDO:0007387, OMIM 122470.
NIPBL-related disorder. Also called: NIPBL-related condition.
Inborn genetic diseases. Identifiers: MedGen C0950123, MeSH D030342.

Submissions (4):

PreventionGenetics, part of Exact Sciences
Classification: Uncertain significance for NIPBL-related condition. Last evaluated: 2026-02-26. Review status: criteria provided, single submitter. Criteria: ACMG Guidelines, 2015. Collection method: clinical testing. Allele origin: germline.
Comment: The NIPBL c.3512A>T variant is predicted to result in the amino acid substitution p.Lys1171Ile. To our knowledge, this variant has not been reported in the literature or in a large population database (gnomAD), indicating this variant is rare. At this time, the clinical significance of this variant is uncertain due to the absence of conclusive functional and genetic evidence.

Women's Health and Genetics/Laboratory Corporation of America, LabCorp
Classification: Uncertain significance. Last evaluated: 2024-11-26. Review status: criteria provided, single submitter. Criteria: LabCorp Variant Classification Summary - May 2015. Collection method: clinical testing. Allele origin: germline.
Comment: Variant summary: NIPBL c.3512A>T (p.Lys1171Ile) results in a non-conservative amino acid change in the encoded protein sequence. Five of five in-silico tools predict a damaging effect of the variant on protein function. The frequency data for this variant in gnomAD is considered unreliable, as metrics indicate poor data quality at this position. To our knowledge, no occurrence of c.3512A>T in individuals affected with Cornelia De Lange Syndrome 1 and no experimental evidence demonstrating its impact on protein function have been reported. No submitters have cited clinical-significance assessments for this variant to ClinVar. Based on the evidence outlined above, the variant was classified as uncertain significance.

Ambry Genetics
Classification: Uncertain significance for Inborn genetic diseases. Last evaluated: 2024-08-12. Review status: criteria provided, single submitter. Criteria: Ambry Variant Classification Scheme 2023. Collection method: clinical testing. Allele origin: germline.

Fulgent Genetics
Classification: Uncertain significance for Cornelia de Lange syndrome 1. Last evaluated: 2024-05-23. Review status: criteria provided, single submitter. Criteria: ACMG Guidelines, 2015. Collection method: clinical testing. Allele origin: germline.